The following is an entry in ClinVar:

NM_001130987.2(DYSF):c.1454C>T (p.Pro485Leu)

Gene: DYSF (dysferlin; plus strand). Cytogenetic location: 2p13.2.
Variant type: single nucleotide variant.
Coding change: c.1454C>T on transcript NM_001130987.2 (MANE Select); coding-DNA position 1454, C replaced by T.
Protein change: p.Pro485Leu; replaces proline 485 with leucine.
Molecular consequence: missense variant.
Genome position (GRCh38, 1-based): chr2:71,535,272, C>T. VCF-style: chr2-71535272-C-T. GRCh37 (hg19) VCF-style: chr2-71762402-C-T.
Other names: c.1361C>T, p.Pro454Leu (NM_001130455.2, NM_001130983.2, NM_001130984.2 and 1 more transcripts); c.1358C>T, p.Pro453Leu (NM_001130976.2, NM_001130977.2, NM_001130978.2 and 1 more transcripts); c.1451C>T, p.Pro484Leu (NM_001130979.2, NM_001130980.2, NM_001130981.2); c.1454C>T, p.Pro485Leu (NM_001130982.2, NM_001130985.2); short protein forms P484L, P485L, P454L, P453L.
Identifiers: ClinVar variation 666090 (VCV000666090.2), dbSNP rs1573810761, ClinGen allele CA347215750.
Genomic context (GRCh38, chr2:71,535,272, plus strand): 5'-GGCTGTTCTATCTTCAAAAGGACTCTTCTCCCAACACGCCTCTATTCCTTCCTCAGTTTC[C>T]CTCCATGTGCGAAAAAATGAGGATTCGTATCATAGACTGGTGAGTTCTGAGTCTTGGAGT-3'
Protein context (NP_001124459.1, residues 475-495): NQNITLPAMF[Pro485Leu]SMCEKMRIRI

ClinVar aggregate classification (germline): Uncertain significance. Review status: criteria provided, multiple submitters, no conflicts (2 of 4 stars). 2 submissions from 2 submitters: Uncertain significance (2). Last evaluated 2023-12-14.

Conditions:
Neuromuscular disease caused by qualitative or quantitative defects of dysferlin. Also called: Qualitative or quantitative defects of dysferlin; Dysferlinopathy. Identifiers: Orphanet 207073, MedGen C2931687, MONDO:0016145.

Submissions (2):

GeneDx
Classification: Uncertain significance. Last evaluated: 2023-12-14. Review status: criteria provided, single submitter. Criteria: GeneDx Variant Classification Process June 2021. Collection method: clinical testing. Allele origin: germline. Affected: yes.
Comment: Not observed at significant frequency in large population cohorts (gnomAD); In silico analysis supports that this missense variant has a deleterious effect on protein structure/function; Has not been previously published as pathogenic or benign to our knowledge; This variant is associated with the following publications: (PMID: 24438169)

Labcorp Genetics (formerly Invitae), Labcorp
Classification: Uncertain significance for Dysferlinopathy. Last evaluated: 2018-11-13. Review status: criteria provided, single submitter. Criteria: Invitae Variant Classification Sherloc (09022015). Collection method: clinical testing. Allele origin: germline.
Comment: This sequence change replaces proline with leucine at codon 453 of the DYSF protein (p.Pro453Leu). The proline residue is moderately conserved and there is a moderate physicochemical difference between proline and leucine. This variant is not present in population databases (ExAC no frequency). This variant has not been reported in the literature in individuals with DYSF-related disease. Algorithms developed to predict the effect of missense changes on protein structure and function are either unavailable or do not agree on the potential impact of this missense change (SIFT: "Deleterious"; PolyPhen-2: "Probably Damaging"; Align-GVGD: "Class C0"). In summary, the available evidence is currently insufficient to determine the role of this variant in disease. Therefore, it has been classified as a Variant of Uncertain Significance.